The following is an entry in ClinVar:

NM_022482.5(GZF1):c.1657G>A (p.Gly553Ser)

Gene: GZF1 (GDNF inducible zinc finger protein 1; plus strand). Cytogenetic location: 20p11.21.
Variant type: single nucleotide variant.
Coding change: c.1657G>A on transcript NM_022482.5 (MANE Select); coding-DNA position 1657, G replaced by A.
Protein change: p.Gly553Ser; replaces glycine 553 with serine.
Molecular consequence: missense variant.
Genome position (GRCh38, 1-based): chr20:23,369,613, G>A. VCF-style: chr20-23369613-G-A. GRCh37 (hg19) VCF-style: chr20-23350250-G-A.
Other names: c.1657G>A, p.Gly553Ser (NM_001317012.2, NM_001317019.1); short protein forms G553S.
Identifiers: ClinVar variation 1521566 (VCV001521566.4), dbSNP rs902374939, ClinGen allele CA313546244.

ClinVar aggregate classification (germline): Uncertain significance (1 of 4 stars; one submission).

Allele frequency attached by ClinVar (database versions not stated): gnomAD exomes 0.00001 and 0.00002; gnomAD 0.00006; TOPMed 0.00009.
gnomAD v4.1: 28 of 1,613,642 alleles (0.0017%); highest among the groups gnomAD compares: Admixed American, 0.025%; no homozygotes.

Submission:

Labcorp Genetics (formerly Invitae), Labcorp
Classification: Uncertain significance. Last evaluated: 2024-01-08. Review status: criteria provided, single submitter. Criteria: Invitae Variant Classification Sherloc (09022015). Collection method: clinical testing. Allele origin: germline.
Comment: This sequence change replaces glycine, which is neutral and non-polar, with serine, which is neutral and polar, at codon 553 of the GZF1 protein (p.Gly553Ser). This variant is present in population databases (no rsID available, gnomAD 0.01%). This variant has not been reported in the literature in individuals affected with GZF1-related conditions. ClinVar contains an entry for this variant (Variation ID: 1521566). An algorithm developed to predict the effect of missense changes on protein structure and function (PolyPhen-2) suggests that this variant is likely to be disruptive. In summary, the available evidence is currently insufficient to determine the role of this variant in disease. Therefore, it has been classified as a Variant of Uncertain Significance.